The following is an entry in ClinVar:

NM_000465.4(BARD1):c.1680_1681delinsTG (p.Met560_Asn561delinsIleAsp)

Gene: BARD1 (BRCA1 associated RING domain 1; minus strand). Cytogenetic location: 2q35.
Variant type: Indel.
Coding change: c.1680_1681delinsTG on transcript NM_000465.4 (MANE Select); coding-DNA positions 1680 to 1681, GA replaced by TG.
Protein change: p.Met560_Asn561delinsIleAsp.
Molecular consequence: missense variant. On other transcripts: non-coding transcript variant (3), intron variant (1).
Genome position (GRCh38, 1-based): chr2:214,745,851-214,745,852, TC replaced by CA on the plus strand (GA replaced by TG on the coding strand, the reverse complement: BARD1 is on the minus strand). VCF-style: chr2-214745851-TC-CA. GRCh37 (hg19) VCF-style: chr2-215610575-TC-CA.
Other names: c.1623_1624delinsTG, p.Met541_Asn542delinsIleAsp (NM_001282543.2); c.327_328delinsTG, p.Met109_Asn110delinsIleAsp (NM_001282545.2); c.270_271delinsTG, p.Met90_Asn91delinsIleAsp (NM_001282548.2); c.365-15344_365-15343delinsTG (NM_001282549.2).
Identifiers: ClinVar variation 3572094 (VCV003572094.1).
Genomic context (GRCh38, chr2:214,745,851, plus strand): 5'-GTTCTGAAGACAGCCCACTGCCTATAAGTACAAGAGGTCCATCCCTACGCTGCCCAGTGT[TC>CA]ATCTGTTAATATAAAAGGAGATACCAGTGTTAAAAACATTAGACGACTAGACAAAGACAT-3'

ClinVar aggregate classification (germline): Uncertain significance (1 of 4 stars; one submission).

Submission:

Quest Diagnostics Nichols Institute San Juan Capistrano
Classification: Uncertain significance. Last evaluated: 2024-05-17. Review status: criteria provided, single submitter. Criteria: Quest Diagnostics criteria. Collection method: clinical testing. Allele origin: unknown.
Comment: The BARD1 c.1680_1681delinsTG (p.Met560_Asn561delinsIleAsp) variant has not been reported in individuals with BARD1-related conditions in the published literature. It also has not been reported in large, multi-ethnic general populations (Genome Aggregation Database). Based on the available information, we are unable to determine the clinical significance of this variant.